The following is an entry in ClinVar:

NM_003500.4(ACOX2):c.1329C>T (p.Leu443=)

Gene: ACOX2 (acyl-CoA oxidase 2; minus strand). Cytogenetic location: 3p14.3.
Variant type: single nucleotide variant.
Coding change: c.1329C>T on transcript NM_003500.4 (MANE Select); coding-DNA position 1329, C replaced by T.
Protein change: p.Leu443=; no amino-acid change (leucine 443 retained).
Molecular consequence: synonymous variant.
Genome position (GRCh38, 1-based): chr3:58,526,483, G>A on the plus strand (C>T on the coding strand, the complement: ACOX2 is on the minus strand). VCF-style: chr3-58526483-G-A. GRCh37 (hg19) VCF-style: chr3-58512210-G-A.
Other names: c.1329C>T (NM_003500.3).
Identifiers: ClinVar variation 2912420 (VCV002912420.5), dbSNP rs112570370, ClinGen allele CA2472098.
Genomic context (GRCh38, chr3:58,526,483, plus strand): 5'-CCCCAAGGGCTTGGGCAAAGGCCTGGGTCAGCCTGGACCTTACCTGGCCACCTGCAGGTA[G>A]AGCACTGTGTTCTCACCCTCGTAGGTACAGGAGGCCGACAATTTGGTGACCAGTGATGGC-3'
Protein context (NP_003491.1, residues 433-453): SCTYEGENTV[Leu443=]YLQVARFLVK

ClinVar aggregate classification (germline): Likely benign. Review status: criteria provided, single submitter (1 of 4 stars). 2 submissions from 2 submitters: Likely benign (1). 1 of the submissions does not count toward it. Last evaluated 2025-08-06.

Conditions:
ACOX2-related disorder. Also called: ACOX2-related condition.

Allele frequency attached by ClinVar (database versions not stated): ESP Exome Variant Server 0.00008; TOPMed 0.00002; gnomAD 0.00001.
gnomAD v4.1: 40 of 1,613,632 alleles (0.0025%); highest among the groups gnomAD compares: African/African-American, 0.033%; 1 homozygote.

Submissions (2):

Labcorp Genetics (formerly Invitae), Labcorp
Classification: Likely benign. Last evaluated: 2025-08-06. Review status: criteria provided, single submitter. Criteria: Invitae Variant Classification Sherloc (09022015). Collection method: clinical testing. Allele origin: germline.

PreventionGenetics, part of Exact Sciences
Classification: Likely benign for ACOX2-related condition. Last evaluated: 2019-12-09. Review status: no assertion criteria provided. Collection method: clinical testing. Allele origin: germline. Not counted in ClinVar's aggregate classification.
Comment: This variant is classified as likely benign based on ACMG/AMP sequence variant interpretation guidelines (Richards et al. 2015 PMID: 25741868, with internal and published modifications).